The following is an entry in ClinVar:

NM_000722.4(CACNA2D1):c.880-253T>C

Gene: CACNA2D1 (calcium voltage-gated channel auxiliary subunit alpha2delta 1; minus strand). Cytogenetic location: 7q21.11.
Variant type: single nucleotide variant.
Coding change: c.880-253T>C on transcript NM_000722.4 (MANE Select); 253 bases into the intron before coding-DNA position 880, T replaced by C.
Molecular consequence: intron variant.
Genome position (GRCh38, 1-based): chr7:82,038,488, A>G on the plus strand (T>C on the coding strand, the complement: CACNA2D1 is on the minus strand). VCF-style: chr7-82038488-A-G. GRCh37 (hg19) VCF-style: chr7-81667804-A-G.
Other names: c.880-253T>C (NM_001366867.1).
Identifiers: ClinVar variation 683279 (VCV000683279.1), dbSNP rs993302, ClinGen allele CA161138713.

ClinVar aggregate classification (germline): Benign (1 of 4 stars; one submission).

Allele frequency attached by ClinVar (database versions not stated): 1000 Genomes Project 30x 0.94019; TOPMed 0.94073; 1000 Genomes Project 0.94309; gnomAD 0.94380 and 0.94789.
gnomAD v4.1: 144,347 of 152,200 alleles (95%); highest among the groups gnomAD compares: East Asian, 100%; 68,906 homozygotes.

Submission:

GeneDx
Classification: Benign. Last evaluated: 2018-06-18. Review status: criteria provided, single submitter. Criteria: GeneDx Variant Classification (06012015). Collection method: clinical testing. Allele origin: germline. Affected: yes.
Comment: This variant is considered likely benign or benign based on one or more of the following criteria: it is a conservative change, it occurs at a poorly conserved position in the protein, it is predicted to be benign by multiple in silico algorithms, and/or has population frequency not consistent with disease.